The following is an entry in ClinVar:

NM_005502.4(ABCA1):c.3408A>C (p.Glu1136Asp)

Gene: ABCA1 (ATP binding cassette subfamily A member 1; minus strand). Cytogenetic location: 9q31.1.
Variant type: single nucleotide variant.
Coding change: c.3408A>C on transcript NM_005502.4 (MANE Select); coding-DNA position 3408, A replaced by C.
Protein change: p.Glu1136Asp; replaces glutamic acid 1136 with aspartic acid.
Molecular consequence: missense variant.
Genome position (GRCh38, 1-based): chr9:104,818,717, T>G on the plus strand (A>C on the coding strand, the complement: ABCA1 is on the minus strand). VCF-style: chr9-104818717-T-G. GRCh37 (hg19) VCF-style: chr9-107580998-T-G.
Other names: short protein forms E1136D.
Identifiers: ClinVar variation 1731136 (VCV001731136.2), dbSNP rs748069515, ClinGen allele CA5168454.

ClinVar aggregate classification (germline): Uncertain significance (1 of 4 stars; one submission).

Conditions:
Cardiovascular phenotype. Identifiers: MedGen CN230736.

Allele frequency attached by ClinVar (database versions not stated): gnomAD exomes below 0.00001; TOPMed below 0.00001; ExAC 0.00001; gnomAD 0.00001.
gnomAD v4.1: 3 of 1,613,510 alleles (0.00019%); highest among the groups gnomAD compares: Admixed American, 0.0033%; no homozygotes.

Submission:

Ambry Genetics
Classification: Uncertain significance for Cardiovascular phenotype. Last evaluated: 2021-06-25. Review status: criteria provided, single submitter. Criteria: Ambry Variant Classification Scheme 2023. Collection method: clinical testing. Allele origin: germline.
Comment: The p.E1136D variant (also known as c.3408A>C), located in coding exon 22 of the ABCA1 gene, results from an A to C substitution at nucleotide position 3408. The glutamic acid at codon 1136 is replaced by aspartic acid, an amino acid with highly similar properties. This amino acid position is conserved. In addition, this alteration is predicted to be tolerated by in silico analysis. Since supporting evidence is limited at this time, the clinical significance of this alteration remains unclear.